The following is an entry in ClinVar:

NM_020549.5(CHAT):c.2108C>T (p.Ser703Phe)

Gene: CHAT (choline O-acetyltransferase; plus strand). Cytogenetic location: 10q11.23.
Variant type: single nucleotide variant.
Coding change: c.2108C>T on transcript NM_020549.5 (MANE Select); coding-DNA position 2108, C replaced by T.
Protein change: p.Ser703Phe; replaces serine 703 with phenylalanine.
Molecular consequence: missense variant.
Genome position (GRCh38, 1-based): chr10:49,664,907, C>T. VCF-style: chr10-49664907-C-T. GRCh37 (hg19) VCF-style: chr10-50872953-C-T.
Other names: c.1754C>T, p.Ser585Phe (NM_001142929.2, NM_001142934.2, NM_020984.4 and 2 more transcripts); c.1862C>T, p.Ser621Phe (NM_001142933.2); short protein forms S585F, S621F, S703F.
Identifiers: ClinVar variation 1425670 (VCV001425670.3), dbSNP rs1316112613, ClinGen allele CA376714117.

ClinVar aggregate classification (germline): Uncertain significance (1 of 4 stars; one submission).

Conditions:
Familial infantile myasthenia (CMS6). Also called: Congenital myasthenic syndrome type 6; MYASTHENIC SYNDROME, PRESYNAPTIC, CONGENITAL, ASSOCIATED WITH EPISODIC APNEA; MYASTHENIC SYNDROME, CONGENITAL, 6, PRESYNAPTIC. Identifiers: Orphanet 590, MedGen C0393929, MONDO:0009689, OMIM 254210.

Allele frequency attached by ClinVar (database versions not stated): gnomAD exomes below 0.00001; TOPMed 0.00001.
gnomAD v4.1: 2 of 1,614,260 alleles (0.00012%); highest among the groups gnomAD compares: Admixed American, 0.0033%; no homozygotes.

Submission:

Labcorp Genetics (formerly Invitae), Labcorp
Classification: Uncertain significance for Familial infantile myasthenia. Last evaluated: 2022-06-30. Review status: criteria provided, single submitter. Criteria: Invitae Variant Classification Sherloc (09022015). Collection method: clinical testing. Allele origin: germline.
Comment: This sequence change replaces serine, which is neutral and polar, with phenylalanine, which is neutral and non-polar, at codon 703 of the CHAT protein (p.Ser703Phe). This variant is present in population databases (no rsID available, gnomAD 0.003%). This variant has not been reported in the literature in individuals affected with CHAT-related conditions. ClinVar contains an entry for this variant (Variation ID: 1425670). Algorithms developed to predict the effect of missense changes on protein structure and function (SIFT, PolyPhen-2, Align-GVGD) all suggest that this variant is likely to be disruptive. In summary, the available evidence is currently insufficient to determine the role of this variant in disease. Therefore, it has been classified as a Variant of Uncertain Significance.